The following is an entry in ClinVar:

NM_000553.6(WRN):c.2452G>A (p.Val818Ile)

Gene: WRN (WRN RecQ like helicase; plus strand). Cytogenetic location: 8p12.
Variant type: single nucleotide variant.
Coding change: c.2452G>A on transcript NM_000553.6 (MANE Select); coding-DNA position 2452, G replaced by A.
Protein change: p.Val818Ile; replaces valine 818 with isoleucine.
Molecular consequence: missense variant.
Genome position (GRCh38, 1-based): chr8:31,120,246, G>A. VCF-style: chr8-31120246-G-A. GRCh37 (hg19) VCF-style: chr8-30977762-G-A.
Other names: short protein forms V818I.
Identifiers: ClinVar variation 657892 (VCV000657892.3), dbSNP rs1410412694, ClinGen allele CA370915158.

ClinVar aggregate classification (germline): Uncertain significance (1 of 4 stars; one submission).

Conditions:
Werner syndrome (WRN). Identifiers: Orphanet 902, MedGen C0043119, MONDO:0010196, OMIM 277700.

Allele frequency attached by ClinVar (database versions not stated): TOPMed 0.00001; gnomAD 0.00003.

Submission:

Labcorp Genetics (formerly Invitae), Labcorp
Classification: Uncertain significance for Werner syndrome. Last evaluated: 2022-01-06. Review status: criteria provided, single submitter. Criteria: Invitae Variant Classification Sherloc (09022015). Collection method: clinical testing. Allele origin: germline.
Comment: This sequence change replaces valine, which is neutral and non-polar, with isoleucine, which is neutral and non-polar, at codon 818 of the WRN protein (p.Val818Ile). This variant is present in population databases (no rsID available, gnomAD 0.007%). This variant has not been reported in the literature in individuals affected with WRN-related conditions. ClinVar contains an entry for this variant (Variation ID: 657892). Algorithms developed to predict the effect of missense changes on protein structure and function output the following: SIFT: "Not Available"; PolyPhen-2: "Benign"; Align-GVGD: "Not Available". The isoleucine amino acid residue is found in multiple mammalian species, which suggests that this missense change does not adversely affect protein function. In summary, the available evidence is currently insufficient to determine the role of this variant in disease. Therefore, it has been classified as a Variant of Uncertain Significance.